The following is an entry in ClinVar:

NM_014251.3(SLC25A13):c.571C>T (p.Arg191Cys)

Gene: SLC25A13 (solute carrier family 25 member 13; minus strand). Cytogenetic location: 7q21.3.
Variant type: single nucleotide variant.
Coding change: c.571C>T on transcript NM_014251.3 (MANE Select); coding-DNA position 571, C replaced by T.
Protein change: p.Arg191Cys; replaces arginine 191 with cysteine.
Molecular consequence: missense variant. On other transcripts: non-coding transcript variant (1).
Genome position (GRCh38, 1-based): chr7:96,193,081, G>A on the plus strand (C>T on the coding strand, the complement: SLC25A13 is on the minus strand). VCF-style: chr7-96193081-G-A. GRCh37 (hg19) VCF-style: chr7-95822393-G-A.
Other names: c.571C>T, p.Arg191Cys (NM_001160210.2); short protein forms R191C.
Identifiers: ClinVar variation 501946 (VCV000501946.11), dbSNP rs199744651, ClinGen allele CA4353226.

ClinVar aggregate classification (germline): Uncertain significance. Review status: criteria provided, multiple submitters, no conflicts (2 of 4 stars). 3 submissions from 3 submitters: Uncertain significance (3). Last evaluated 2026-09-08.

Conditions:
SLC25A13-related disorder. Also called: SLC25A13-related condition.
Citrullinemia type II. Also called: Citrullinemia Type II (CTLN2). Identifiers: Orphanet 247585, MedGen C1863844, MONDO:0016603.

Allele frequency attached by ClinVar (database versions not stated): gnomAD 0.00001 and 0.00002; gnomAD exomes 0.00003 and 0.00004; TOPMed 0.00003; ExAC 0.00005.
gnomAD v4.1: 59 of 1,613,796 alleles (0.0037%); highest among the groups gnomAD compares: Non-Finnish European, 0.0045%; no homozygotes.

Submissions (3):

PreventionGenetics, part of Exact Sciences
Classification: Uncertain significance for SLC25A13-related condition. Last evaluated: 2026-09-08. Review status: criteria provided, single submitter. Criteria: ACMG Guidelines, 2015. Collection method: clinical testing. Allele origin: germline.
Comment: The SLC25A13 c.571C>T variant is predicted to result in the amino acid substitution p.Arg191Cys. To our knowledge, this variant has not been reported in the literature. This variant is reported in 0.0062% of alleles in individuals of European (Non-Finnish) descent in gnomAD. At this time, the clinical significance of this variant is uncertain due to the absence of conclusive functional and genetic evidence.

Illumina Laboratory Services, Illumina
Classification: Uncertain significance for Citrullinemia, type II, adult-onset. Last evaluated: 2018-01-13. Review status: criteria provided, single submitter. Criteria: ICSL Variant Classification Criteria 13 December 2019. Collection method: clinical testing. Allele origin: germline.

Eurofins Ntd Llc (ga)
Classification: Uncertain significance. Last evaluated: 2017-05-08. Review status: criteria provided, single submitter. Criteria: EGL Classification Definitions 2015. Collection method: clinical testing. Allele origin: germline. Observed: 1 variant allele, 1 heterozygote.